The following is an entry in ClinVar:

NM_000540.3(RYR1):c.3535C>T (p.Arg1179Trp)

Gene: RYR1 (ryanodine receptor 1; plus strand). Cytogenetic location: 19q13.2.
Variant type: single nucleotide variant.
Coding change: c.3535C>T on transcript NM_000540.3 (MANE Select); coding-DNA position 3535, C replaced by T.
Protein change: p.Arg1179Trp; replaces arginine 1179 with tryptophan.
Molecular consequence: missense variant.
Genome position (GRCh38, 1-based): chr19:38,469,119, C>T. VCF-style: chr19-38469119-C-T. GRCh37 (hg19) VCF-style: chr19-38959759-C-T.
Other names: c.3535C>T, p.Arg1179Trp (NM_001042723.2); short protein forms R1179W.
Identifiers: ClinVar variation 374168 (VCV000374168.19), dbSNP rs763944786, ClinGen allele CA064968.

ClinVar aggregate classification (germline): Conflicting classifications of pathogenicity. Review status: criteria provided, conflicting classifications (1 of 4 stars). 7 submissions from 7 submitters: Likely pathogenic (2); Uncertain significance (5). Last evaluated 2025-06-24.

Conditions:
RYR1-related disorder. Also called: RYR1-related condition; RYR1-related disorders. Identifiers: MedGen CN239331.
Malignant hyperthermia, susceptibility to, 1 (MHS1). Also called: Pharmacogenic myopathy; Malignant hyperthermia suceptibility 1; Anesthesia related hyperthermia; Malignant hyperpyrexia; Fulminating hyperpyrexia; RYR1-Related Malignant Hyperthermia Susceptibility. Identifiers: Orphanet 423, MedGen C2930980, MONDO:0007783, OMIM 145600.
Delayed gross motor development. Identifiers: MedGen C1837658, HP:0002194.
Scoliosis. Identifiers: MedGen C0036439, MONDO:0005392, HP:0002650.
Progressive distal muscle weakness. Identifiers: MedGen C1836609, HP:0009063.
Pelvic girdle muscle weakness. Identifiers: MedGen C0427064, HP:0003749.
Proximal muscle weakness. Identifiers: MedGen C0221629, HP:0003701.

Allele frequency attached by ClinVar (database versions not stated): gnomAD 0.00001 and 0.00002; gnomAD exomes 0.00001; ExAC 0.00002; TOPMed 0.00002.
gnomAD v4.1: 40 of 1,614,074 alleles (0.0025%); highest among the groups gnomAD compares: East Asian, 0.0045%; no homozygotes.

Submissions (7):

Color Diagnostics, LLC DBA Color Health
Classification: Uncertain significance for Malignant hyperthermia, susceptibility to, 1. Last evaluated: 2025-06-24. Review status: criteria provided, single submitter. Criteria: ACMG Guidelines, 2015. Collection method: clinical testing. Allele origin: germline.
Comment: This missense variant replaces arginine with tryptophan at codon 1179 of the RYR1 protein. Computational prediction is inconclusive regarding the impact of this variant on protein structure and function. To our knowledge, functional studies have not been reported for this variant. This variant has not been reported in individuals affected with malignant hyperthermia susceptibility in the literature, although it is associated with other phenotype(s) (ClinVar Variation ID: 374168). This variant has been identified in 3/251458 chromosomes in the general population by the Genome Aggregation Database (gnomAD). Due to insufficient evidence, this variant is classified as a Variant of Uncertain Significance for autosomal dominant malignant hyperthermia.

Women's Health and Genetics/Laboratory Corporation of America, LabCorp
Classification: Uncertain significance. Last evaluated: 2025-06-11. Review status: criteria provided, single submitter. Criteria: LabCorp Variant Classification Summary - May 2015. Collection method: clinical testing. Allele origin: germline.
Comment: Variant summary: RYR1 c.3535C>T (p.Arg1179Trp) results in a non-conservative amino acid change located in the B30.2/SPRY domain (IPR001870) of the encoded protein sequence. Algorithms developed to predict the effect of missense changes on protein structure and function are either unavailable or do not agree on the potential impact of this missense change. The variant allele was found at a frequency of 1.2e-05 in 251458 control chromosomes. The available data on variant occurrences in the general population are insufficient to allow any conclusion about variant significance. c.3535C>T has been reported in the literature as a compound heterozygous genotype with a different RYR1 missense variant in at-least one individual within a cohort of patients with Ryanodine Receptor 1 Gene-Associated Myopathies (example, Klein_2012) who reported no episodes of Malignant Hyperthermia. A relative of this individual also included in the cohort was compound heterozygous for two different missense variants in the RYR1 gene, suggestive of non-segregation with disease for this variant. These individuals have been subsequently cited by others (example, Amburgey_2013). This variant has also been reported as a compound heterozygous genotype in an individual with a genetic diagnosis of central core disease in a referral cohort (example, Babic Bozovic_2021). These data do not allow any conclusion about variant significance. To our knowledge, no experimental evidence demonstrating an impact on protein function has been reported. The following publications have been ascertained in the context of this evaluation (PMID: 22473935, 32899693, 23919265, 34106991). ClinVar contains an entry for this variant (Variation ID: 374168). Based on the evidence outlined above, the variant was classified as uncertain significance.

Labcorp Genetics (formerly Invitae), Labcorp
Classification: Likely pathogenic for RYR1-related disorder. Last evaluated: 2024-08-28. Review status: criteria provided, single submitter. Criteria: Invitae Variant Classification Sherloc (09022015). Collection method: clinical testing. Allele origin: germline.
Comment: This sequence change replaces arginine, which is basic and polar, with tryptophan, which is neutral and slightly polar, at codon 1179 of the RYR1 protein (p.Arg1179Trp). This variant is present in population databases (rs763944786, gnomAD 0.006%). This missense change has been observed in individual(s) with clinical features of autosomal recessive RYR1-related conditions (PMID: 22473935, 34106991; internal data). In at least one individual the data is consistent with being in trans (on the opposite chromosome) from a pathogenic variant. ClinVar contains an entry for this variant (Variation ID: 374168). Invitae Evidence Modeling of protein sequence and biophysical properties (such as structural, functional, and spatial information, amino acid conservation, physicochemical variation, residue mobility, and thermodynamic stability) has been performed for this missense variant. However, the output from this modeling did not meet the statistical confidence thresholds required to predict the impact of this variant on RYR1 protein function. In summary, the currently available evidence indicates that the variant is pathogenic, but additional data are needed to prove that conclusively. Therefore, this variant has been classified as Likely Pathogenic.

GeneDx
Classification: Uncertain significance. Last evaluated: 2024-03-12. Review status: criteria provided, single submitter. Criteria: GeneDx Variant Classification Process June 2021. Collection method: clinical testing. Allele origin: germline. Affected: yes.
Comment: Observed in an individual with congenital myopathy who harbored another variant on the opposite RYR1 allele, however, comprehensive genetic testing was not completed (PMID: 22473935); Analysis of the RYR1 crystal structure showed that the R1179W variant is located on the surface of the RYR1 protein and it is not predicted to affect protein folding (PMID: 25370123); Not observed at significant frequency in large population cohorts (gnomAD); In silico analysis supports that this missense variant has a deleterious effect on protein structure/function; This variant is associated with the following publications: (PMID: 31589614, 34106991, 32899693, 25370123, 22473935)

All of Us Research Program, National Institutes of Health
Classification: Uncertain significance for Malignant hyperthermia, susceptibility to, 1. Last evaluated: 2023-11-02. Review status: criteria provided, single submitter. Criteria: ACMG Guidelines, 2015. Collection method: clinical testing. Allele origin: germline. Inheritance: Autosomal dominant inheritance. Observed: 4 variant alleles, 4 heterozygotes.
Comment: This missense variant replaces arginine with tryptophan at codon 1179 of the RYR1 protein. Computational prediction is inconclusive regarding the impact of this variant on protein structure and function (internally defined REVEL score threshold 0.5 < inconclusive < 0.7, PMID: 27666373). To our knowledge, functional studies have not been reported for this variant. This variant has not been reported in individuals affected with malignant hyperthermia susceptibility in the literature, although it is associated with other phenotype(s) (ClinVar Variation ID: 374168). This variant has been identified in 3/251458 chromosomes in the general population by the Genome Aggregation Database (gnomAD). Due to insufficient evidence, this variant is classified as a Variant of Uncertain Significance for autosomal dominant malignant hyperthermia.

This study involves interpretation of variants in research participants for the purpose of population health screening. Participant phenotype was not available at the time of variant classification. Additional details can be found in publication PMID: 35346344, PMCID: PMC8962531

Revvity Omics, Revvity
Classification: Uncertain significance. Last evaluated: 2019-08-07. Review status: criteria provided, single submitter. Criteria: ACMG Guidelines, 2015. Collection method: clinical testing. Allele origin: germline.

Centre for Mendelian Genomics, University Medical Centre Ljubljana
Classification: Likely pathogenic for Delayed gross motor development; Pelvic girdle muscle weakness; Progressive distal muscle weakness; Proximal muscle weakness; Scoliosis. Last evaluated: 2014-08-29. Review status: criteria provided, single submitter. Criteria: ACMG Guidelines, 2015. Collection method: clinical testing. Allele origin: unknown. Affected: yes.

Literature cited by the submitters: PubMed 22473935 (cited by Women's Health and Genetics/Laboratory Corporation of America, LabCorp and Labcorp Genetics (formerly Invitae), Labcorp); PubMed 32899693 (cited by Women's Health and Genetics/Laboratory Corporation of America, LabCorp); PubMed 23919265 (cited by Women's Health and Genetics/Laboratory Corporation of America, LabCorp); PubMed 34106991 (cited by Women's Health and Genetics/Laboratory Corporation of America, LabCorp and Labcorp Genetics (formerly Invitae), Labcorp).